The following is an entry in ClinVar:

ClinVar aggregate classification (germline): Uncertain significance (1 of 4 stars; one submission).

Allele frequency attached by ClinVar (database versions not stated): TOPMed 0.00002.
gnomAD v4.1: 25 of 1,613,796 alleles (0.0015%); highest among the groups gnomAD compares: Non-Finnish European, 0.0021%; no homozygotes.

Submission:

Labcorp Genetics (formerly Invitae), Labcorp
Classification: Uncertain significance. Last evaluated: 2022-10-25. Review status: criteria provided, single submitter. Criteria: Invitae Variant Classification Sherloc (09022015). Collection method: clinical testing. Allele origin: germline.
Comment: In summary, the available evidence is currently insufficient to determine the role of this variant in disease. Therefore, it has been classified as a Variant of Uncertain Significance. Algorithms developed to predict the effect of missense changes on protein structure and function output the following: SIFT: "Tolerated"; PolyPhen-2: "Benign"; Align-GVGD: "Class C0". The serine amino acid residue is found in multiple mammalian species, which suggests that this missense change does not adversely affect protein function. ClinVar contains an entry for this variant (Variation ID: 960514). This variant has not been reported in the literature in individuals affected with VCAN-related conditions. This variant is present in population databases (no rsID available, gnomAD 0.0009%). This sequence change replaces proline, which is neutral and non-polar, with serine, which is neutral and polar, at codon 2500 of the VCAN protein (p.Pro2500Ser).

NM_004385.5(VCAN):c.7498C>T (p.Pro2500Ser)

Genes: VCAN (versican; plus strand), VCAN-AS1 (VCAN antisense RNA 1; minus strand). Cytogenetic location: 5q14.3.
Variant type: single nucleotide variant.
Coding change: c.7498C>T on transcript NM_004385.5 (MANE Select); coding-DNA position 7498, C replaced by T.
Protein change: p.Pro2500Ser; replaces proline 2500 with serine.
Molecular consequence: missense variant. On other transcripts: intron variant (2).
Genome position (GRCh38, 1-based): chr5:83,540,501, C>T. VCF-style: chr5-83540501-C-T. GRCh37 (hg19) VCF-style: chr5-82836320-C-T.
Other names: c.4537C>T, p.Pro1513Ser (NM_001164097.2); c.4004-5036C>T (NM_001164098.2); c.1043-5036C>T (NM_001126336.3); short protein forms P1513S, P2500S.
Identifiers: ClinVar variation 960514 (VCV000960514.10), dbSNP rs766300338, ClinGen allele CA360314862.
Genomic context (GRCh38, chr5:83,540,501, plus strand): 5'-GATGGATTCCCAACAGTTTCAGTGATGCTGCCTCTTCATTCAGAGCAGAACAAAAGCTCC[C>T]CTGATCCAACTAGCACACTGTCAAATACAGTGTCATATGAGAGGTCCACAGACGGTAGTT-3'
Protein context (NP_004376.2, residues 2490-2510): PLHSEQNKSS[Pro2500Ser]DPTSTLSNTV